The following is an entry in ClinVar:

ClinVar aggregate classification (germline): Uncertain significance (1 of 4 stars; one submission).

Allele frequency attached by ClinVar (database versions not stated): gnomAD exomes below 0.00001; gnomAD 0.00001; TOPMed 0.00001.
gnomAD v4.1: 2 of 1,610,286 alleles (0.00012%); highest among the groups gnomAD compares: Admixed American, 0.0034%; no homozygotes.

Submission:

Ambry Genetics
Classification: Uncertain significance. Last evaluated: 2025-07-25. Review status: criteria provided, single submitter. Criteria: Ambry Variant Classification Scheme 2023. Collection method: clinical testing. Allele origin: germline.
Comment: The p.N182K variant (also known as c.546T>G), located in coding exon 5 of the RINT1 gene, results from a T to G substitution at nucleotide position 546. The asparagine at codon 182 is replaced by lysine, an amino acid with similar properties. This amino acid position is well conserved in available vertebrate species. In addition, this alteration is predicted to be tolerated by in silico analysis. Since supporting evidence is limited at this time, the clinical significance of this alteration remains unclear.

NM_021930.6(RINT1):c.546T>G (p.Asn182Lys)

Gene: RINT1 (RAD50 interactor 1; plus strand). Cytogenetic location: 7q22.3.
Variant type: single nucleotide variant.
Coding change: c.546T>G on transcript NM_021930.6 (MANE Select); coding-DNA position 546, T replaced by G.
Protein change: p.Asn182Lys; replaces asparagine 182 with lysine.
Molecular consequence: missense variant. On other transcripts: 5 prime UTR variant (2), non-coding transcript variant (1), intron variant (1).
Genome position (GRCh38, 1-based): chr7:105,546,940, T>G. VCF-style: chr7-105546940-T-G. GRCh37 (hg19) VCF-style: chr7-105187387-T-G.
Other names: c.312T>G, p.Asn104Lys (NM_001346599.2); c.-474T>G (NM_001346600.2); c.-377T>G (NM_001346601.2); c.-27-3115T>G (NM_001346603.2); short protein forms N182K, N104K.
Identifiers: ClinVar variation 1747741 (VCV001747741.4), dbSNP rs1418976203, ClinGen allele CA368805327.